The following is an entry in ClinVar:

NM_032638.5(GATA2):c.689G>T (p.Arg230Leu)

Gene: GATA2 (GATA binding protein 2; minus strand). Cytogenetic location: 3q21.3.
Variant type: single nucleotide variant.
Coding change: c.689G>T on transcript NM_032638.5 (MANE Select); coding-DNA position 689, G replaced by T.
Protein change: p.Arg230Leu; replaces arginine 230 with leucine.
Molecular consequence: missense variant.
Genome position (GRCh38, 1-based): chr3:128,485,909, C>A on the plus strand (G>T on the coding strand, the complement: GATA2 is on the minus strand). VCF-style: chr3-128485909-C-A. GRCh37 (hg19) VCF-style: chr3-128204752-C-A.
Other names: c.689G>T, p.Arg230Leu (NM_001145661.2, NM_001145662.1); short protein forms R230L.
Identifiers: ClinVar variation 1026677 (VCV001026677.9), dbSNP rs1265283318, ClinGen allele CA354406244.

ClinVar aggregate classification (germline): Uncertain significance (1 of 4 stars; one submission).

Conditions:
Deafness-lymphedema-leukemia syndrome. Also called: Emberger syndrome; Lymphedema, primary, with myelodysplasia. Identifiers: Orphanet 3226, MedGen C3279664, MONDO:0013540, OMIM 614038.
Monocytopenia with susceptibility to infections. Also called: MONOCYTOPENIA AND MYCOBACTERIAL INFECTION SYNDROME; MONOCYTOPENIA WITH SUSCEPTIBILITY TO MYCOBACTERIAL, FUNGAL, AND PAPILLOMAVIRUS INFECTIONS AND MYELODYSPLASIA; COMBINED IMMUNODEFICIENCY WITH SUSCEPTIBILITY TO MYCOBACTERIAL, VIRAL, AND FUNGAL INFECTIONS; IMMUNODEFICIENCY 21; GATA2 DEFICIENCY; Dendritic cell, monocyte, B lymphocyte, and natural killer lymphocyte deficiency. Identifiers: Orphanet 228423, MedGen C3280030, MONDO:0013607, OMIM 614172.

Submission:

Labcorp Genetics (formerly Invitae), Labcorp
Classification: Uncertain significance for Monocytopenia with susceptibility to infections; Deafness-lymphedema-leukemia syndrome. Last evaluated: 2020-01-05. Review status: criteria provided, single submitter. Criteria: Invitae Variant Classification Sherloc (09022015). Collection method: clinical testing. Allele origin: germline.
Comment: This variant has not been reported in the literature in individuals with GATA2-related conditions. In summary, the available evidence is currently insufficient to determine the role of this variant in disease. Therefore, it has been classified as a Variant of Uncertain Significance. Algorithms developed to predict the effect of missense changes on protein structure and function are either unavailable or do not agree on the potential impact of this missense change (SIFT: "Tolerated"; PolyPhen-2: "Probably Damaging"; Align-GVGD: "Class C0"). This variant is not present in population databases (ExAC no frequency). This sequence change replaces arginine with leucine at codon 230 of the GATA2 protein (p.Arg230Leu). The arginine residue is moderately conserved and there is a moderate physicochemical difference between arginine and leucine.